The following is an entry in ClinVar:

ClinVar aggregate classification (germline): Uncertain significance (1 of 4 stars; one submission).

Submission:

GeneDx
Classification: Uncertain significance. Last evaluated: 2026-09-12. Review status: criteria provided, single submitter. Criteria: GeneDx Variant Classification Process June 2021. Collection method: clinical testing. Allele origin: germline.
Comment: Not observed at significant frequency in large population cohorts (gnomAD); In silico analysis suggests that this missense variant does not alter protein structure/function; Has not been previously published as pathogenic or benign to our knowledge

NM_001394998.1(TANC2):c.98G>C (p.Arg33Thr)

Gene: TANC2 (tetratricopeptide repeat, ankyrin repeat and coiled-coil containing 2; plus strand). Cytogenetic location: 17q23.2.
Variant type: single nucleotide variant.
Coding change: c.98G>C on transcript NM_001394998.1 (MANE Select); coding-DNA position 98, G replaced by C.
Protein change: p.Arg33Thr; replaces arginine 33 with threonine.
Molecular consequence: missense variant.
Genome position (GRCh38, 1-based): chr17:63,073,973, G>C. VCF-style: chr17-63073973-G-C. GRCh37 (hg19) VCF-style: chr17-61151334-G-C.
Other names: c.98G>C, p.Arg33Thr (NM_025185.4); short protein forms R33T.
Identifiers: ClinVar variation 1702750 (VCV001702750.3), dbSNP rs2144657417, ClinGen allele CA400791977.